The following is an entry in ClinVar:

ClinVar aggregate classification (germline): Uncertain significance (1 of 4 stars; one submission).

Allele frequency attached by ClinVar (database versions not stated): ExAC 0.00002; TOPMed 0.00003; gnomAD 0.00005.

Submission:

Labcorp Genetics (formerly Invitae), Labcorp
Classification: Uncertain significance. Last evaluated: 2025-06-02. Review status: criteria provided, single submitter. Criteria: Invitae Variant Classification Sherloc (09022015). Collection method: clinical testing. Allele origin: germline.
Comment: This sequence change replaces valine, which is neutral and non-polar, with isoleucine, which is neutral and non-polar, at codon 368 of the LRRC8A protein (p.Val368Ile). This variant is present in population databases (rs778590498, gnomAD 0.004%). This variant has not been reported in the literature in individuals affected with LRRC8A-related conditions. ClinVar contains an entry for this variant (Variation ID: 1440131). An algorithm developed to predict the effect of missense changes on protein structure and function (PolyPhen-2) suggests that this variant is likely to be tolerated. In summary, the available evidence is currently insufficient to determine the role of this variant in disease. Therefore, it has been classified as a Variant of Uncertain Significance.

NM_019594.4(LRRC8A):c.1102G>A (p.Val368Ile)

Gene: LRRC8A (leucine rich repeat containing 8 VRAC subunit A; plus strand). Cytogenetic location: 9q34.11.
Variant type: single nucleotide variant.
Coding change: c.1102G>A on transcript NM_019594.4 (MANE Select); coding-DNA position 1102, G replaced by A.
Protein change: p.Val368Ile; replaces valine 368 with isoleucine.
Molecular consequence: missense variant.
Genome position (GRCh38, 1-based): chr9:128,908,266, G>A. VCF-style: chr9-128908266-G-A. GRCh37 (hg19) VCF-style: chr9-131670545-G-A.
Other names: c.1102G>A, p.Val368Ile (NM_001127244.2, NM_001127245.2); short protein forms V368I.
Identifiers: ClinVar variation 1440131 (VCV001440131.8), dbSNP rs778590498, ClinGen allele CA5270836.
Genomic context (GRCh38, chr9:128,908,266, plus strand): 5'-CTCAAGAAGTACTCGTTTGAGTCGATCCGTGAGGAGAGCAGCTACAGCGACATCCCCGAC[G>A]TCAAGAACGACTTCGCCTTCATGCTGCACCTCATTGACCAATACGACCCGCTCTACTCCA-3'
Protein context (NP_062540.2, residues 358-378): EESSYSDIPD[Val368Ile]KNDFAFMLHL